The following is an entry in ClinVar:

ClinVar aggregate classification (germline): Likely benign (1 of 4 stars; one submission).

Submission:

GeneDx
Classification: Likely benign. Last evaluated: 2018-06-01. Review status: criteria provided, single submitter. Criteria: GeneDx Variant Classification (06012015). Collection method: clinical testing. Allele origin: germline. Affected: yes.
Comment: This variant is considered likely benign or benign based on one or more of the following criteria: it is a conservative change, it occurs at a poorly conserved position in the protein, it is predicted to be benign by multiple in silico algorithms, and/or has population frequency not consistent with disease.

NM_001164508.2(NEB):c.15298G>A (p.Glu5100Lys)

Gene: NEB (nebulin; minus strand). Cytogenetic location: 2q23.3.
Variant type: single nucleotide variant.
Coding change: c.15298G>A on transcript NM_001164508.2 (MANE Select); coding-DNA position 15298, G replaced by A.
Protein change: p.Glu5100Lys; replaces glutamic acid 5100 with lysine.
Molecular consequence: missense variant. On other transcripts: intron variant (1).
Genome position (GRCh38, 1-based): chr2:151,587,526, C>T on the plus strand (G>A on the coding strand, the complement: NEB is on the minus strand). VCF-style: chr2-151587526-C-T. GRCh37 (hg19) VCF-style: chr2-152444040-C-T.
Other names: c.15298G>A, p.Glu5100Lys (NM_001164507.2, NM_001271208.2); c.11602-11172G>A (NM_004543.5); short protein forms E5100K.
Identifiers: ClinVar variation 681056 (VCV000681056.1), dbSNP rs1578582389, ClinGen allele CA348759813.
Genomic context (GRCh38, chr2:151,587,526, plus strand): 5'-AGAGTCTTTCATTCACGAGGTCTTGAGCAACCTTCACTCTGTTCATTTCCACTGAGCCTT[C>T]TGGCATCCAGCCGATGCCACGCAGCCACTCCAGGTCTGCCTTATACACACTCTATAAAGA-3'
Protein context (NP_001157980.2, residues 5090-5110): EWLRGIGWMP[Glu5100Lys]GSVEMNRVKV